The following is an entry in ClinVar:

ClinVar aggregate classification (germline): Pathogenic (1 of 4 stars; one submission).

Submission:

Labcorp Genetics (formerly Invitae), Labcorp
Classification: Pathogenic. Last evaluated: 2025-01-13. Review status: criteria provided, single submitter. Criteria: Invitae Variant Classification Sherloc (09022015). Collection method: clinical testing. Allele origin: germline.
Comment: This sequence change creates a premature translational stop signal (p.Tyr260*) in the LAMC3 gene. It is expected to result in an absent or disrupted protein product. Loss-of-function variants in LAMC3 are known to be pathogenic (PMID: 21572413, 26802095). This variant is not present in population databases (gnomAD no frequency). This variant has not been reported in the literature in individuals affected with LAMC3-related conditions. ClinVar contains an entry for this variant (Variation ID: 2747347). For these reasons, this variant has been classified as Pathogenic.

Literature cited by the submitters: PubMed 21572413; PubMed 26802095.

NM_006059.4(LAMC3):c.780T>G (p.Tyr260Ter)

Gene: LAMC3 (laminin subunit gamma 3; plus strand). Cytogenetic location: 9q34.12.
Variant type: single nucleotide variant.
Coding change: c.780T>G on transcript NM_006059.4 (MANE Select); coding-DNA position 780, T replaced by G.
Protein change: p.Tyr260Ter; replaces tyrosine 260 with a stop codon.
Molecular consequence: nonsense.
Genome position (GRCh38, 1-based): chr9:131,032,146, T>G. VCF-style: chr9-131032146-T-G. GRCh37 (hg19) VCF-style: chr9-133907533-T-G.
Other names: short protein forms Y260*.
Identifiers: ClinVar variation 2747347 (VCV002747347.3), dbSNP rs561893279, ClinGen allele CA375254574.